The following is an entry in ClinVar:

NM_005732.4(RAD50):c.1174C>G (p.Gln392Glu)

Gene: RAD50 (RAD50 double strand break repair protein; plus strand). Cytogenetic location: 5q31.1.
Variant type: single nucleotide variant.
Coding change: c.1174C>G on transcript NM_005732.4 (MANE Select); coding-DNA position 1174, C replaced by G.
Protein change: p.Gln392Glu; replaces glutamine 392 with glutamic acid.
Molecular consequence: missense variant.
Genome position (GRCh38, 1-based): chr5:132,588,809, C>G. VCF-style: chr5-132588809-C-G. GRCh37 (hg19) VCF-style: chr5-131924501-C-G.
Other names: short protein forms Q392E.
Identifiers: ClinVar variation 482147 (VCV000482147.11), dbSNP rs1554098251, ClinGen allele CA360942778.

ClinVar aggregate classification (germline): Uncertain significance. Review status: criteria provided, multiple submitters, no conflicts (2 of 4 stars). 2 submissions from 2 submitters: Uncertain significance (2). Last evaluated 2025-05-09.

Conditions:
Hereditary cancer-predisposing syndrome. Also called: Neoplastic Syndromes, Hereditary; Tumor predisposition; Hereditary Cancer Syndrome; Hereditary neoplastic syndrome. Identifiers: Orphanet 140162, MedGen C0027672, MeSH D009386, MONDO:0015356.

Submissions (2):

Ambry Genetics
Classification: Uncertain significance for Hereditary cancer-predisposing syndrome. Last evaluated: 2025-05-09. Review status: criteria provided, single submitter. Criteria: Ambry Variant Classification Scheme 2023. Collection method: clinical testing. Allele origin: germline.
Comment: The p.Q392E variant (also known as c.1174C>G), located in coding exon 8 of the RAD50 gene, results from a C to G substitution at nucleotide position 1174. The glutamine at codon 392 is replaced by glutamic acid, an amino acid with highly similar properties. This amino acid position is well conserved in available vertebrate species. In addition, this alteration is predicted to be tolerated by in silico analysis. Since supporting evidence is limited at this time, the clinical significance of this alteration remains unclear.

Labcorp Genetics (formerly Invitae), Labcorp
Classification: Uncertain significance for Hereditary cancer-predisposing syndrome. Last evaluated: 2023-10-22. Review status: criteria provided, single submitter. Criteria: Invitae Variant Classification Sherloc (09022015). Collection method: clinical testing. Allele origin: germline.
Comment: This sequence change replaces glutamine, which is neutral and polar, with glutamic acid, which is acidic and polar, at codon 392 of the RAD50 protein (p.Gln392Glu). This variant is not present in population databases (gnomAD no frequency). This variant has not been reported in the literature in individuals affected with RAD50-related conditions. ClinVar contains an entry for this variant (Variation ID: 482147). Advanced modeling of protein sequence and biophysical properties (such as structural, functional, and spatial information, amino acid conservation, physicochemical variation, residue mobility, and thermodynamic stability) has been performed at Invitae for this missense variant, however the output from this modeling did not meet the statistical confidence thresholds required to predict the impact of this variant on RAD50 protein function. In summary, the available evidence is currently insufficient to determine the role of this variant in disease. Therefore, it has been classified as a Variant of Uncertain Significance.